The following is an entry in ClinVar:

ClinVar aggregate classification (germline): Uncertain significance. Review status: criteria provided, multiple submitters, no conflicts (2 of 4 stars). 2 submissions from 2 submitters: Uncertain significance (2). Last evaluated 2025-03-07.

Allele frequency attached by ClinVar (database versions not stated): gnomAD exomes 0.00003; TOPMed 0.00003.
gnomAD v4.1: 41 of 1,614,210 alleles (0.0025%); highest among the groups gnomAD compares: Admixed American, 0.067%; no homozygotes.

Submissions (2):

Ambry Genetics
Classification: Uncertain significance. Last evaluated: 2025-03-07. Review status: criteria provided, single submitter. Criteria: Ambry Variant Classification Scheme 2023. Collection method: clinical testing. Allele origin: germline.

Labcorp Genetics (formerly Invitae), Labcorp
Classification: Uncertain significance. Last evaluated: 2024-03-04. Review status: criteria provided, single submitter. Criteria: Invitae Variant Classification Sherloc (09022015). Collection method: clinical testing. Allele origin: germline.
Comment: This sequence change replaces aspartic acid, which is acidic and polar, with histidine, which is basic and polar, at codon 516 of the KLB protein (p.Asp516His). This variant is present in population databases (rs780447012, gnomAD 0.1%), and has an allele count higher than expected for a pathogenic variant. This variant has not been reported in the literature in individuals affected with KLB-related conditions. An algorithm developed to predict the effect of missense changes on protein structure and function (PolyPhen-2) suggests that this variant is likely to be tolerated. In summary, the available evidence is currently insufficient to determine the role of this variant in disease. Therefore, it has been classified as a Variant of Uncertain Significance.

NM_175737.4(KLB):c.1546G>C (p.Asp516His)

Gene: KLB (klotho beta; plus strand). Cytogenetic location: 4p14.
Variant type: single nucleotide variant.
Coding change: c.1546G>C on transcript NM_175737.4 (MANE Select); coding-DNA position 1546, G replaced by C.
Protein change: p.Asp516His; replaces aspartic acid 516 with histidine.
Molecular consequence: missense variant.
Genome position (GRCh38, 1-based): chr4:39,437,936, G>C. VCF-style: chr4-39437936-G-C. GRCh37 (hg19) VCF-style: chr4-39439556-G-C.
Other names: c.1546G>C (NM_175737.3); short protein forms D516H.
Identifiers: ClinVar variation 2747466 (VCV002747466.4), dbSNP rs780447012, ClinGen allele CA2893849.